The following is an entry in ClinVar:

ClinVar aggregate classification (germline): Benign. Review status: criteria provided, multiple submitters, no conflicts (2 of 4 stars). 3 submissions from 3 submitters: Benign (2). 1 of the submissions does not count toward it. Last evaluated 2016-03-29.

Conditions:
MAP3K6-related disorder. Also called: MAP3K6-related condition.

Allele frequency attached by ClinVar (database versions not stated): 1000 Genomes Project 0.12200; 1000 Genomes Project 30x 0.12320; TOPMed 0.20278; gnomAD 0.20936 and 0.21192; ESP Exome Variant Server 0.21633; gnomAD exomes 0.22604 and 0.27358; ExAC 0.26218.
gnomAD v4.1: 428,560 of 1,605,104 alleles (27%); highest among the groups gnomAD compares: Non-Finnish European, 30%; 61,678 homozygotes.

Submissions (3):

Laboratory for Molecular Medicine, Mass General Brigham Personalized Medicine
Classification: Benign. Last evaluated: 2016-03-29. Review status: criteria provided, single submitter. Criteria: LMM Criteria. Collection method: clinical testing. Allele origin: germline.
Comment: Variant identified in a genome or exome case(s) and assessed due to predicted null impact of the variant or pathogenic assertions in the literature or databases. Disclaimer: This variant has not undergone full assessment. The following are preliminary notes: Frequency

Breakthrough Genomics
Classification: Benign. Review status: criteria provided, single submitter. Criteria: ACMG Guidelines, 2015. Collection method: not provided. Allele origin: germline. Inheritance: Unknown mechanism. Affected: yes.

PreventionGenetics, part of Exact Sciences
Classification: Benign for MAP3K6-related condition. Last evaluated: 2019-10-21. Review status: no assertion criteria provided. Collection method: clinical testing. Allele origin: germline. Not counted in ClinVar's aggregate classification.
Comment: This variant is classified as benign based on ACMG/AMP sequence variant interpretation guidelines (Richards et al. 2015 PMID: 25741868, with internal and published modifications).

NM_004672.5(MAP3K6):c.1866C>A (p.Asn622Lys)

Gene: MAP3K6 (mitogen-activated protein kinase kinase kinase 6; minus strand). Cytogenetic location: 1p36.11.
Variant type: single nucleotide variant.
Coding change: c.1866C>A on transcript NM_004672.5 (MANE Select); coding-DNA position 1866, C replaced by A.
Protein change: p.Asn622Lys; replaces asparagine 622 with lysine.
Molecular consequence: missense variant.
Genome position (GRCh38, 1-based): chr1:27,360,975, G>T on the plus strand (C>A on the coding strand, the complement: MAP3K6 is on the minus strand). VCF-style: chr1-27360975-G-T. GRCh37 (hg19) VCF-style: chr1-27687466-G-T.
Other names: c.1842C>A, p.Asn614Lys (NM_001297609.2); c.1866C>A (NM_004672.4); short protein forms N622K, N614K.
Identifiers: ClinVar variation 403071 (VCV000403071.7), dbSNP rs35659744, ClinGen allele CA713590.
Genomic context (GRCh38, chr1:27,360,975, plus strand): 5'-CCTCACCTCCAACATCTCCCCCGCGCCCTCCGCCTCCTCCGCGGGCGCCGTGGAATCCGG[G>T]TTCGTCACCCAGGCCTGGATCAGGCCGCAGAACCTGAAGGTGGGGGAGGTCAGACCCGCG-3'
Protein context (NP_004663.3, residues 612-632): FCGLIQAWVT[Asn622Lys]PDSTAPAEEA